The following is an entry in ClinVar:

ClinVar aggregate classification (germline): Uncertain significance (1 of 4 stars; one submission).

Allele frequency attached by ClinVar (database versions not stated): gnomAD exomes below 0.00001.
gnomAD v4.1: 3 of 1,558,570 alleles (0.00019%); highest among the groups gnomAD compares: South Asian, 0.0011%; no homozygotes.

Submission:

Labcorp Genetics (formerly Invitae), Labcorp
Classification: Uncertain significance. Last evaluated: 2022-06-22. Review status: criteria provided, single submitter. Criteria: Invitae Variant Classification Sherloc (09022015). Collection method: clinical testing. Allele origin: germline.
Comment: In summary, the available evidence is currently insufficient to determine the role of this variant in disease. Therefore, it has been classified as a Variant of Uncertain Significance. Variants that disrupt the consensus splice site are a relatively common cause of aberrant splicing (PMID: 17576681, 9536098). Algorithms developed to predict the effect of sequence changes on RNA splicing suggest that this variant may disrupt the consensus splice site. This variant has not been reported in the literature in individuals affected with ELP1-related conditions. This variant is not present in population databases (gnomAD no frequency). This sequence change falls in intron 31 of the ELP1 gene. It does not directly change the encoded amino acid sequence of the ELP1 protein. It affects a nucleotide within the consensus splice site.

Literature cited by the submitters: PubMed 17576681; PubMed 9536098.

NM_003640.5(ELP1):c.3346+3G>A

Gene: ELP1 (elongator acetyltransferase complex subunit 1; minus strand). Cytogenetic location: 9q31.3.
Variant type: single nucleotide variant.
Coding change: c.3346+3G>A on transcript NM_003640.5 (MANE Select); 3 bases into the intron after coding-DNA position 3346, G replaced by A.
Molecular consequence: intron variant.
Genome position (GRCh38, 1-based): chr9:108,881,702, C>T on the plus strand (G>A on the coding strand, the complement: ELP1 is on the minus strand). VCF-style: chr9-108881702-C-T. GRCh37 (hg19) VCF-style: chr9-111643982-C-T.
Other names: c.3004+3G>A (NM_001318360.2); c.2299+3G>A (NM_001330749.2).
Identifiers: ClinVar variation 2017369 (VCV002017369.4), dbSNP rs2537862221, ClinGen allele CA2580079402.